The following is an entry in ClinVar:

ClinVar aggregate classification (germline): Uncertain significance (1 of 4 stars; one submission).

Allele frequency attached by ClinVar (database versions not stated): ExAC 0.00004.
gnomAD v4.1: 6 of 1,553,458 alleles (0.00039%); highest among the groups gnomAD compares: South Asian, 0.0048%; no homozygotes.

Submission:

Labcorp Genetics (formerly Invitae), Labcorp
Classification: Uncertain significance. Last evaluated: 2022-09-24. Review status: criteria provided, single submitter. Criteria: Invitae Variant Classification Sherloc (09022015). Collection method: clinical testing. Allele origin: germline.
Comment: In summary, the available evidence is currently insufficient to determine the role of this variant in disease. Therefore, it has been classified as a Variant of Uncertain Significance. Advanced modeling of protein sequence and biophysical properties (such as structural, functional, and spatial information, amino acid conservation, physicochemical variation, residue mobility, and thermodynamic stability) performed at Invitae indicates that this missense variant is expected to disrupt PROM1 protein function. This variant has not been reported in the literature in individuals affected with PROM1-related conditions. The frequency data for this variant in the population databases is considered unreliable, as metrics indicate poor data quality at this position in the gnomAD database. This sequence change replaces arginine, which is basic and polar, with glutamine, which is neutral and polar, at codon 821 of the PROM1 protein (p.Arg821Gln).

NM_006017.3(PROM1):c.2462G>A (p.Arg821Gln)

Gene: PROM1 (prominin 1; minus strand). Cytogenetic location: 4p15.32.
Variant type: single nucleotide variant.
Coding change: c.2462G>A on transcript NM_006017.3 (MANE Select); coding-DNA position 2462, G replaced by A.
Protein change: p.Arg821Gln; replaces arginine 821 with glutamine.
Molecular consequence: missense variant.
Genome position (GRCh38, 1-based): chr4:15,980,449, C>T on the plus strand (G>A on the coding strand, the complement: PROM1 is on the minus strand). VCF-style: chr4-15980449-C-T. GRCh37 (hg19) VCF-style: chr4-15982072-C-T.
Other names: c.2435G>A, p.Arg812Gln (NM_001145847.2, NM_001145848.2, NM_001145851.2 and 4 more transcripts); c.2462G>A, p.Arg821Gln (NM_001145849.2, NM_001145850.2); short protein forms R812Q, R821Q.
Identifiers: ClinVar variation 1976014 (VCV001976014.5), dbSNP rs370736469, ClinGen allele CA2866386.